The following is an entry in ClinVar:

NM_004360.5(CDH1):c.2508A>G (p.Glu836=)

Gene: CDH1 (cadherin 1; plus strand). Cytogenetic location: 16q22.1.
Variant type: single nucleotide variant.
Coding change: c.2508A>G on transcript NM_004360.5 (MANE Select); coding-DNA position 2508, A replaced by G.
Protein change: p.Glu836=; no amino-acid change (glutamic acid 836 retained).
Molecular consequence: synonymous variant.
Genome position (GRCh38, 1-based): chr16:68,833,358, A>G. VCF-style: chr16-68833358-A-G. GRCh37 (hg19) VCF-style: chr16-68867261-A-G.
Other names: c.2508A>G (LRG_301t1); c.2325A>G, p.Glu775= (NM_001317184.2); c.960A>G, p.Glu320= (NM_001317185.2); c.543A>G, p.Glu181= (NM_001317186.2).
Identifiers: ClinVar variation 510966 (VCV000510966.5), dbSNP rs1555518241, ClinGen allele CA496393080.

ClinVar aggregate classification (germline): Likely benign. Review status: criteria provided, multiple submitters, no conflicts (2 of 4 stars). 3 submissions from 3 submitters: Likely benign (3). Last evaluated 2023-02-24.

Conditions:
Hereditary cancer-predisposing syndrome. Also called: Hereditary neoplastic syndrome; Hereditary Cancer Syndrome; Neoplastic Syndromes, Hereditary; Tumor predisposition. Identifiers: Orphanet 140162, MedGen C0027672, MeSH D009386, MONDO:0015356.

Allele frequency attached by ClinVar (database versions not stated): gnomAD exomes below 0.00001.
gnomAD v4.1: 1 of 1,614,188 alleles (0.000062%); highest among the groups gnomAD compares: Non-Finnish European, 0.000085%; no homozygotes.

Submissions (3):

Ambry Genetics
Classification: Likely benign for Hereditary cancer-predisposing syndrome. Last evaluated: 2023-02-24. Review status: criteria provided, single submitter. Criteria: Ambry Variant Classification Scheme 2023. Collection method: clinical testing. Allele origin: germline.

Color Diagnostics, LLC DBA Color Health
Classification: Likely benign for Hereditary cancer-predisposing syndrome. Last evaluated: 2021-06-27. Review status: criteria provided, single submitter. Criteria: ACMG Guidelines, 2015. Collection method: clinical testing. Allele origin: germline.

GeneDx
Classification: Likely benign. Last evaluated: 2017-07-18. Review status: criteria provided, single submitter. Criteria: GeneDx Variant Classification (06012015). Collection method: clinical testing. Allele origin: germline. Affected: yes.
Comment: This variant is considered likely benign or benign based on one or more of the following criteria: it is a conservative change, it occurs at a poorly conserved position in the protein, it is predicted to be benign by multiple in silico algorithms, and/or has population frequency not consistent with disease.